The following is an entry in ClinVar:

NM_017763.6(RNF43):c.1096G>A (p.Val366Met)

Gene: RNF43 (ring finger protein 43; minus strand). Cytogenetic location: 17q22.
Variant type: single nucleotide variant.
Coding change: c.1096G>A on transcript NM_017763.6 (MANE Select); coding-DNA position 1096, G replaced by A.
Protein change: p.Val366Met; replaces valine 366 with methionine.
Molecular consequence: missense variant.
Genome position (GRCh38, 1-based): chr17:58,358,680, C>T on the plus strand (G>A on the coding strand, the complement: RNF43 is on the minus strand). VCF-style: chr17-58358680-C-T. GRCh37 (hg19) VCF-style: chr17-56436041-C-T.
Other names: c.1096G>A, p.Val366Met (NM_001305544.3, NM_001438820.1, NM_001438821.1 and 1 more transcripts); c.715G>A, p.Val239Met (NM_001305545.2, NM_001437987.1); short protein forms V239M, V366M.
Identifiers: ClinVar variation 4844778 (VCV004844778.1).
Genomic context (GRCh38, chr17:58,358,680, plus strand): 5'-GAGGGCCCATGCCTGGCTCCTGGGATGGCAGGAAGGGACCAGGTCGTGGGGGCCGAGCCA[C>T]TGCACTCCGGGAAGGGCCCAACAGGTAGGCAGCAGGGAGGTGGTAGTGGGCATGGCCGGG-3'
Protein context (NP_060233.3, residues 356-376): AYLLGPSRSA[Val366Met]ARPPRPGPFL

ClinVar aggregate classification (germline): Uncertain significance (1 of 4 stars; one submission).

gnomAD v4.1: 3 of 1,530,900 alleles (0.0002%); highest among the groups gnomAD compares: African/African-American, 0.0014%; no homozygotes.

Submission:

Ambry Genetics
Classification: Uncertain significance. Last evaluated: 2026-02-15. Review status: criteria provided, single submitter. Criteria: Ambry Variant Classification Scheme 2023. Collection method: clinical testing. Allele origin: germline.
Comment: The p.V366M variant (also known as c.1096G>A), located in coding exon 8 of the RNF43 gene, results from a G to A substitution at nucleotide position 1096. The valine at codon 366 is replaced by methionine, an amino acid with highly similar properties. This amino acid position is conserved. In addition, this alteration is predicted to be tolerated by in silico analysis. Based on the available evidence, the clinical significance of this variant remains unclear.